The following is an entry in ClinVar:

ClinVar aggregate classification (germline): Uncertain significance (0 of 4 stars; one submission).

Conditions:
CRYBB1-related disorder. Also called: CRYBB1-related condition.

gnomAD v4.1: 6 of 1,613,950 alleles (0.00037%); highest among the groups gnomAD compares: African/African-American, 0.008%; no homozygotes.

Submission:

PreventionGenetics, part of Exact Sciences
Classification: Uncertain significance for CRYBB1-related condition. Last evaluated: 2024-09-11. Review status: no assertion criteria provided. Collection method: clinical testing. Allele origin: germline.
Comment: The CRYBB1 c.65A>G variant is predicted to result in the amino acid substitution p.Lys22Arg. To our knowledge, this variant has not been reported in the literature or in a large population database, indicating this variant is rare. At this time, the clinical significance of this variant is uncertain due to the absence of conclusive functional and genetic evidence.

NM_001887.4(CRYBB1):c.65A>G (p.Lys22Arg)

Genes: CRYBA4 (crystallin beta A4; plus strand), CRYBB1 (crystallin beta B1; minus strand). Cytogenetic location: 22q12.1.
Variant type: single nucleotide variant.
Coding change: c.65A>G on transcript NM_001887.4 (MANE Select); coding-DNA position 65, A replaced by G.
Protein change: p.Lys22Arg; replaces lysine 22 with arginine.
Molecular consequence: missense variant.
Genome position (GRCh38, 1-based): chr22:26,616,255, T>C on the plus strand (A>G on the coding strand, the complement: CRYBB1 is on the minus strand). VCF-style: chr22-26616255-T-C. GRCh37 (hg19) VCF-style: chr22-27012219-T-C.
Other names: short protein forms K22R.
Identifiers: ClinVar variation 3357731 (VCV003357731.1).